The following is an entry in ClinVar:

ClinVar aggregate classification (germline): Uncertain significance (1 of 4 stars; one submission).

Submission:

Labcorp Genetics (formerly Invitae), Labcorp
Classification: Uncertain significance. Last evaluated: 2024-06-08. Review status: criteria provided, single submitter. Criteria: Invitae Variant Classification Sherloc (09022015). Collection method: clinical testing. Allele origin: germline.
Comment: This sequence change replaces glycine, which is neutral and non-polar, with serine, which is neutral and polar, at codon 110 of the POGLUT1 protein (p.Gly110Ser). Information on the frequency of this variant in the gnomAD database is not available, as this variant may be reported differently in the database. This variant has not been reported in the literature in individuals affected with POGLUT1-related conditions. Experimental studies and prediction algorithms are not available or were not evaluated, and the functional significance of this variant is currently unknown. In summary, the available evidence is currently insufficient to determine the role of this variant in disease. Therefore, it has been classified as a Variant of Uncertain Significance.

NM_152305.3(POGLUT1):c.327_328inv (p.Gly110Ser)

Gene: POGLUT1 (protein O-glucosyltransferase 1; plus strand). Cytogenetic location: 3q13.33.
Variant type: Inversion.
Coding change: c.327_328inv on transcript NM_152305.3 (MANE Select).
Protein change: p.Gly110Ser; replaces glycine 110 with serine.
Molecular consequence: missense variant. On other transcripts: non-coding transcript variant (1).
Genome position: GRCh38 VCF-style: chr3-119477319-TG-CA. GRCh37 (hg19) VCF-style: chr3-119196166-TG-CA.
Other names: short protein forms G110S.
Identifiers: ClinVar variation 3624421 (VCV003624421.2).